The following is an entry in ClinVar:

NM_006947.4(SRP72):c.158T>A (p.Val53Glu)

Gene: SRP72 (signal recognition particle 72; plus strand). Cytogenetic location: 4q12.
Variant type: single nucleotide variant.
Coding change: c.158T>A on transcript NM_006947.4 (MANE Select); coding-DNA position 158, T replaced by A.
Protein change: p.Val53Glu; replaces valine 53 with glutamic acid.
Molecular consequence: missense variant. On other transcripts: non-coding transcript variant (1).
Genome position (GRCh38, 1-based): chr4:56,469,701, T>A. VCF-style: chr4-56469701-T-A. GRCh37 (hg19) VCF-style: chr4-57335867-T-A.
Other names: c.158T>A, p.Val53Glu (NM_001267722.2); short protein forms V53E.
Identifiers: ClinVar variation 4174968 (VCV004174968.1).

ClinVar aggregate classification (germline): Uncertain significance (1 of 4 stars; one submission).

gnomAD v4.1: 1 of 1,612,794 alleles (0.000062%); highest among the groups gnomAD compares: Non-Finnish European, 0.000085%; no homozygotes.

Submission:

Ambry Genetics
Classification: Uncertain significance. Last evaluated: 2025-08-19. Review status: criteria provided, single submitter. Criteria: Ambry Variant Classification Scheme 2023. Collection method: clinical testing. Allele origin: germline.
Comment: The p.V53E variant (also known as c.158T>A), located in coding exon 2 of the SRP72 gene, results from a T to A substitution at nucleotide position 158. The valine at codon 53 is replaced by glutamic acid, an amino acid with dissimilar properties. This amino acid position is conserved. In addition, this alteration is predicted to be deleterious by in silico analysis. Based on the available evidence, the clinical significance of this variant remains unclear.